The following is an entry in ClinVar:

NC_000002.11:g.(?_73659316)_(73659429_?)del

Gene: ALMS1 (ALMS1 centrosome and basal body associated protein; plus strand). Cytogenetic location: 2p13.1.
Variant type: Deletion.
Identifiers: ClinVar variation 1070273 (VCV001070273.2).

ClinVar aggregate classification (germline): Pathogenic (1 of 4 stars; one submission).

Conditions:
Alstrom syndrome (ALMS). Identifiers: Orphanet 64, MedGen C0268425, MONDO:0008763, OMIM 203800.

Submission:

Labcorp Genetics (formerly Invitae), Labcorp
Classification: Pathogenic for Alstrom syndrome. Last evaluated: 2022-06-23. Review status: criteria provided, single submitter. Criteria: Invitae Variant Classification Sherloc (09022015). Collection method: clinical testing. Allele origin: germline.
Comment: This variant is a gross deletion of the genomic region encompassing exon(s) 7 of the ALMS1 gene. This deletion is out-of-frame, and is expected to create a premature termination codon and result in an absent or disrupted protein product. Loss-of-function variants in ALMS1 are known to be pathogenic (PMID: 17594715). This variant has not been reported in the literature in individuals affected with ALMS1-related conditions. For these reasons, this variant has been classified as Pathogenic.

Literature cited by the submitters: PubMed 17594715.